The following is an entry in ClinVar:

ClinVar aggregate classification (germline): Uncertain significance (1 of 4 stars; one submission).

gnomAD v4.1: 1 of 1,611,178 alleles (0.000062%); highest among the groups gnomAD compares: Admixed American, 0.0017%; no homozygotes.

Submission:

GeneDx
Classification: Uncertain significance. Last evaluated: 2023-07-24. Review status: criteria provided, single submitter. Criteria: GeneDx Variant Classification Process June 2021. Collection method: clinical testing. Allele origin: germline. Affected: yes.
Comment: Not observed at significant frequency in large population cohorts (gnomAD); In silico analysis supports that this missense variant has a deleterious effect on protein structure/function; Has not been previously published as pathogenic or benign to our knowledge

NM_023110.3(FGFR1):c.359A>G (p.Asp120Gly)

Gene: FGFR1 (fibroblast growth factor receptor 1; minus strand). Cytogenetic location: 8p11.23.
Variant type: single nucleotide variant.
Coding change: c.359A>G on transcript NM_023110.3 (MANE Select); coding-DNA position 359, A replaced by G.
Protein change: p.Asp120Gly; replaces aspartic acid 120 with glycine.
Molecular consequence: missense variant.
Genome position (GRCh38, 1-based): chr8:38,428,435, T>C on the plus strand (A>G on the coding strand, the complement: FGFR1 is on the minus strand). VCF-style: chr8-38428435-T-C. GRCh37 (hg19) VCF-style: chr8-38285953-T-C.
Other names: c.359A>G, p.Asp120Gly (NM_001174063.2, NM_001174065.2, NM_001354367.2 and 3 more transcripts); c.335A>G, p.Asp112Gly (NM_001174064.2); c.92A>G, p.Asp31Gly (NM_001174066.2, NM_001354368.2, NM_001354370.2 and 2 more transcripts); c.458A>G, p.Asp153Gly (NM_001174067.2); short protein forms D112G, D120G, D153G, D31G.
Identifiers: ClinVar variation 3361442 (VCV003361442.1).